The following is an entry in ClinVar:

NM_006393.3(NEBL):c.858GTT[1] (p.Leu287del)

Gene: NEBL (nebulette; minus strand). Cytogenetic location: 10p12.31.
Variant type: Microsatellite.
Coding change: c.858GTT[1] on transcript NM_006393.3 (MANE Select); one copy of the 3-base unit GTT starting at c.858; the reference has two copies in a row; one copy, 3 bases deleted.
Protein change: p.Leu287del; deletes leucine 287.
Molecular consequence: inframe deletion. On other transcripts: intron variant (9).
Genome position (GRCh38, 1-based): chr10:20,858,280-20,858,282, AAC deleted on the plus strand (GTT on the coding strand, the reverse complement: NEBL is on the minus strand); deleting any 3 consecutive bases within chr10:20,858,280-20,858,287 gives the same sequence; the position shown is the placement nearest the transcript's 3' end. VCF-style (leftmost placement, unchanged base first): chr10-20858279-AAAC-A. GRCh37 (hg19) VCF-style: chr10-21147208-AAAC-A.
Other names: c.250-45342_250-45340del (NM_001377326.1, NM_001377327.1, NM_001377328.1); c.358-45342_358-45340del (NM_213569.2, NM_001173484.2, NM_001377322.1); c.301-45342_301-45340del (NM_001377324.1); c.292-45342_292-45340del (NM_001377325.1); c.310-45342_310-45340del (NM_001377323.1); c.861_863delGTT (NM_006393.2); short protein forms L287del.
Identifiers: ClinVar variation 651041 (VCV000651041.7), dbSNP rs757466908, ClinGen allele CA5433075.
Genomic context (GRCh38, chr10:20,858,279, plus strand): 5'-GCCGCTAGATGAACCACTTACGCCGCTGAGCATTTTGCTGGCTTTCAAAACATGGTCTAA[AAAC>A]AACAAATTTGGGAGATCTGAAACTGGATCATGCATATTTTGAATGTCTTTCTTGTACTTC-3'

ClinVar aggregate classification (germline): Uncertain significance (1 of 4 stars; one submission).

Conditions:
Primary dilated cardiomyopathy (DCM). Also called: Dilated Cardiomyopathy. Identifiers: Orphanet 217604, MedGen C0007193, MeSH D002311, MONDO:0005021, HP:0001644. Inheritance: Various modes of inheritance.

Submission:

Labcorp Genetics (formerly Invitae), Labcorp
Classification: Uncertain significance for Primary dilated cardiomyopathy. Last evaluated: 2023-07-17. Review status: criteria provided, single submitter. Criteria: Invitae Variant Classification Sherloc (09022015). Collection method: clinical testing. Allele origin: germline.
Comment: Experimental studies and prediction algorithms are not available or were not evaluated, and the functional significance of this variant is currently unknown. ClinVar contains an entry for this variant (Variation ID: 651041). This variant has not been reported in the literature in individuals affected with NEBL-related conditions. This variant is present in population databases (rs757466908, gnomAD 0.008%). This variant, c.861_863del, results in the deletion of 1 amino acid(s) of the NEBL protein (p.Leu287del), but otherwise preserves the integrity of the reading frame. In summary, the available evidence is currently insufficient to determine the role of this variant in disease. Therefore, it has been classified as a Variant of Uncertain Significance.